The following is an entry in ClinVar:

ClinVar aggregate classification (germline): Uncertain significance (1 of 4 stars; one submission).

Allele frequency attached by ClinVar (database versions not stated): gnomAD 0.00001; ExAC 0.00002; TOPMed 0.00003.
gnomAD v4.1: 19 of 1,612,514 alleles (0.0012%); highest among the groups gnomAD compares: Admixed American, 0.018%; no homozygotes.

Submission:

Labcorp Genetics (formerly Invitae), Labcorp
Classification: Uncertain significance. Last evaluated: 2023-08-19. Review status: criteria provided, single submitter. Criteria: Invitae Variant Classification Sherloc (09022015). Collection method: clinical testing. Allele origin: germline.
Comment: An algorithm developed to predict the effect of missense changes on protein structure and function (PolyPhen-2) suggests that this variant is likely to be disruptive. This variant has not been reported in the literature in individuals affected with SUCLG2-related conditions. This variant is present in population databases (rs781236366, gnomAD 0.02%). This sequence change replaces aspartic acid, which is acidic and polar, with valine, which is neutral and non-polar, at codon 236 of the SUCLG2 protein (p.Asp236Val). In summary, the available evidence is currently insufficient to determine the role of this variant in disease. Therefore, it has been classified as a Variant of Uncertain Significance.

NM_003848.4(SUCLG2):c.707A>T (p.Asp236Val)

Gene: SUCLG2 (succinate-CoA ligase GDP-forming subunit beta; minus strand). Cytogenetic location: 3p14.1.
Variant type: single nucleotide variant.
Coding change: c.707A>T on transcript NM_003848.4 (MANE Select); coding-DNA position 707, A replaced by T.
Protein change: p.Asp236Val; replaces aspartic acid 236 with valine.
Molecular consequence: missense variant.
Genome position (GRCh38, 1-based): chr3:67,508,857, T>A on the plus strand (A>T on the coding strand, the complement: SUCLG2 is on the minus strand). VCF-style: chr3-67508857-T-A. GRCh37 (hg19) VCF-style: chr3-67559281-T-A.
Other names: c.707A>T, p.Asp236Val (NM_001177599.2); short protein forms D236V.
Identifiers: ClinVar variation 2904460 (VCV002904460.2), dbSNP rs781236366, ClinGen allele CA2485915.